The following is an entry in ClinVar:

ClinVar aggregate classification (germline): Pathogenic (1 of 4 stars; one submission).

Submission:

GeneDx
Classification: Pathogenic. Last evaluated: 2025-10-02. Review status: criteria provided, single submitter. Criteria: GeneDx Variant Classification Process June 2021. Collection method: clinical testing. Allele origin: germline.
Comment: Not observed at significant frequency in large population cohorts (gnomAD); In-frame deletion of 1 amino acid in a non-repeat region; In silico analysis supports a deleterious effect on protein structure/function; Has not been previously published as pathogenic or benign to our knowledge

NM_001370100.5(ZMYND11):c.1672AAG[2] (p.Lys560del)

Genes: ZMYND11 (zinc finger MYND-type containing 11; plus strand), LOC126860802 (BRD4-independent group 4 enhancer GRCh37_chr10:294268-295467; plus strand). Cytogenetic location: 10p15.3.
Variant type: Microsatellite.
Coding change: c.1672AAG[2] on transcript NM_001370100.5 (MANE Select); two copies in a row of the 3-base unit AAG starting at c.1672; the reference has three copies in a row; one copy, 3 bases deleted.
Protein change: p.Lys560del; deletes lysine 560.
Molecular consequence: inframe deletion. On other transcripts: non-coding transcript variant (1).
Genome position (GRCh38, 1-based): chr10:249,080-249,082, AAG deleted; deleting any 3 consecutive bases within chr10:249,074-249,082 gives the same sequence; the position shown is the placement nearest the transcript's 3' end. VCF-style (leftmost placement, unchanged base first): chr10-249073-CAAG-C. GRCh37 (hg19) VCF-style: chr10-295013-CAAG-C.
Other names: c.1510AAG[2], p.Lys506del (NM_001202464.3, NM_001202467.1, NM_001370103.2 and 6 more transcripts); c.1417AAG[2], p.Lys475del (NM_001202465.3, NM_001370110.2); c.1507AAG[2], p.Lys505del (NM_001202466.3, NM_001370111.2); c.1672AAG[2], p.Lys560del (NM_001202468.1, NM_001370097.3, NM_001370098.2 and 4 more transcripts); c.1621AAG[2], p.Lys543del (NM_001330057.3, NM_001370112.2); c.1579AAG[2], p.Lys529del (NM_001370113.2, NM_001370114.2); c.1669AAG[2], p.Lys559del (NM_001370115.2, NM_212479.4); c.1606AAG[2], p.Lys538del (NM_001370116.2); and 8 more; short protein forms K403del, K441del, K458del, K466del, K475del, K484del, K505del, K506del.
Identifiers: ClinVar variation 3776404 (VCV003776404.2).
Genomic context (GRCh38, chr10:249,073, plus strand): 5'-AGAATTTGTAGAAGAAATCAAGAAGCTGGCAACACAGCACAAGCAACTGATTTCTCAGAC[CAAG>C]AAGAAGCAGTGGGTAAATACCAGTCTTTTTTAGACCCTTATTTCTGAAAATGTACCACAG-3'